The following is an entry in ClinVar:

ClinVar aggregate classification (germline): Conflicting classifications of pathogenicity. Review status: criteria provided, conflicting classifications (1 of 4 stars). 2 submissions from 2 submitters: Uncertain significance (1); Likely benign (1). Last evaluated 2024-04-01.

Conditions:
Inborn genetic diseases. Identifiers: MedGen C0950123, MeSH D030342.

Allele frequency attached by ClinVar (database versions not stated): gnomAD exomes 0.00005 and 0.00008; ExAC 0.00006; ESP Exome Variant Server 0.00008; gnomAD 0.00008 and 0.00009; TOPMed 0.00009.
gnomAD v4.1: 136 of 1,613,798 alleles (0.0084%); highest among the groups gnomAD compares: Non-Finnish European, 0.01%; no homozygotes.

Submissions (2):

Ambry Genetics
Classification: Uncertain significance for Inborn genetic diseases. Last evaluated: 2024-04-01. Review status: criteria provided, single submitter. Criteria: Ambry Variant Classification Scheme 2023. Collection method: clinical testing. Allele origin: germline.

GeneDx
Classification: Likely benign. Last evaluated: 2013-03-12. Review status: criteria provided, single submitter. Criteria: GeneDx Variant Classification (06012015). Collection method: clinical testing. Allele origin: germline. Affected: yes.
Comment: This variant is considered likely benign or benign based on one or more of the following criteria: it is a conservative change, it occurs at a poorly conserved position in the protein, it is predicted to be benign by multiple in silico algorithms, and/or has population frequency not consistent with disease.

NM_021957.4(GYS2):c.556A>T (p.Ile186Phe)

Gene: GYS2 (glycogen synthase 2; minus strand). Cytogenetic location: 12p12.1.
Variant type: single nucleotide variant.
Coding change: c.556A>T on transcript NM_021957.4 (MANE Select); coding-DNA position 556, A replaced by T.
Protein change: p.Ile186Phe; replaces isoleucine 186 with phenylalanine.
Molecular consequence: missense variant.
Genome position (GRCh38, 1-based): chr12:21,574,266, T>A on the plus strand (A>T on the coding strand, the complement: GYS2 is on the minus strand). VCF-style: chr12-21574266-T-A. GRCh37 (hg19) VCF-style: chr12-21727200-T-A.
Other names: p.I186F:ATT>TTT; short protein forms I186F.
Identifiers: ClinVar variation 214524 (VCV000214524.2), dbSNP rs376889935, ClinGen allele CA320383.
Genomic context (GRCh38, chr12:21,574,266, plus strand): 5'-CGTGGGTTGTAAATATTGTGGCAATAGGAAGTTTCCTGGCTCGAGAAAGGATCAGTCCAA[T>A]TCCAGCCTGCCATTCATGGAATTGGGCAACGACATATTTACCATCTGCATGATCTGTCAC-3'
Protein context (NP_068776.2, residues 176-196): VAQFHEWQAG[Ile186Phe]GLILSRARKL